The following is an entry in ClinVar:

ClinVar aggregate classification (germline): Conflicting classifications of pathogenicity. Review status: criteria provided, conflicting classifications (1 of 4 stars). 3 submissions from 3 submitters: Uncertain significance (2); Likely benign (1). Last evaluated 2025-10-31.

Conditions:
Bethlem myopathy 1A. Also called: Bethlem myopathy 1; Bethlem Muscular Dystrophy; MYOPATHY, BENIGN CONGENITAL, WITH CONTRACTURES. Identifiers: Orphanet 610, MedGen CN029274, MONDO:0024530, OMIM 158810.

Allele frequency attached by ClinVar (database versions not stated): ESP Exome Variant Server 0.00008; gnomAD exomes 0.00001 and 0.00002; TOPMed 0.00002; gnomAD 0.00003.

Submissions (3):

Mayo Clinic Laboratories, Mayo Clinic
Classification: Uncertain significance. Last evaluated: 2025-10-31. Review status: criteria provided, single submitter. Criteria: ACMG Guidelines, 2015. Collection method: clinical testing. Allele origin: germline. Observed: 1 variant allele.
Comment: BP4_moderate

GeneDx
Classification: Uncertain significance. Last evaluated: 2025-08-13. Review status: criteria provided, single submitter. Criteria: GeneDx Variant Classification Process June 2021. Collection method: clinical testing. Allele origin: germline. Affected: yes.
Comment: Reported in a patient in published literature from a cohort of individuals with adolescent idiopathic scoliosis; however, detailed clinical information was not provided (PMID: 26566670); Not observed at significant frequency in large population cohorts (gnomAD); In silico analysis suggests that this missense variant does not alter protein structure/function; This variant is associated with the following publications: (PMID: 26566670)

Labcorp Genetics (formerly Invitae), Labcorp
Classification: Likely benign for Bethlem myopathy 1A. Last evaluated: 2025-08-05. Review status: criteria provided, single submitter. Criteria: Invitae Variant Classification Sherloc (09022015). Collection method: clinical testing. Allele origin: germline.

Literature cited by the submitters: PubMed 26566670 (cited by Mayo Clinic Laboratories, Mayo Clinic).

NM_004369.4(COL6A3):c.1636G>A (p.Ala546Thr)

Gene: COL6A3 (collagen type VI alpha 3 chain; minus strand). Cytogenetic location: 2q37.3.
Variant type: single nucleotide variant.
Coding change: c.1636G>A on transcript NM_004369.4 (MANE Select); coding-DNA position 1636, G replaced by A.
Protein change: p.Ala546Thr; replaces alanine 546 with threonine.
Molecular consequence: missense variant.
Genome position (GRCh38, 1-based): chr2:237,381,176, C>T on the plus strand (G>A on the coding strand, the complement: COL6A3 is on the minus strand). VCF-style: chr2-237381176-C-T. GRCh37 (hg19) VCF-style: chr2-238289819-C-T.
Other names: p.Ala546Thr; c.415G>A, p.Ala139Thr (NM_057164.5, NM_057166.5); c.1018G>A, p.Ala340Thr (NM_057165.5, NM_057167.4); c.1636G>A (NM_004369.3); short protein forms A340T, A546T, A139T.
Identifiers: ClinVar variation 1398642 (VCV001398642.9), dbSNP rs150377792, ClinGen allele CA67830485.